The following is an entry in ClinVar:

NM_020921.4(NIN):c.857T>C (p.Met286Thr)

Gene: NIN (ninein; minus strand). Cytogenetic location: 14q22.1.
Variant type: single nucleotide variant.
Coding change: c.857T>C on transcript NM_020921.4 (MANE Select); coding-DNA position 857, T replaced by C.
Protein change: p.Met286Thr; replaces methionine 286 with threonine.
Molecular consequence: missense variant.
Genome position (GRCh38, 1-based): chr14:50,772,425, A>G on the plus strand (T>C on the coding strand, the complement: NIN is on the minus strand). VCF-style: chr14-50772425-A-G. GRCh37 (hg19) VCF-style: chr14-51239143-A-G.
Other names: c.857T>C, p.Met286Thr (NM_016350.5, NM_182944.3, NM_182946.2); short protein forms M286T.
Identifiers: ClinVar variation 1374600 (VCV001374600.8), dbSNP rs147260112, ClinGen allele CA7182339.

ClinVar aggregate classification (germline): Uncertain significance. Review status: criteria provided, multiple submitters, no conflicts (2 of 4 stars). 3 submissions from 3 submitters: Uncertain significance (3). Last evaluated 2026-05-13.

Allele frequency attached by ClinVar (database versions not stated): gnomAD 0.00067 and 0.00062; gnomAD exomes 0.00004 and 0.00013; 1000 Genomes Project 0.00060; TOPMed 0.00062; ExAC 0.00021; 1000 Genomes Project 30x 0.00047; ESP Exome Variant Server 0.00062.
gnomAD v4.1: 159 of 1,614,174 alleles (0.0099%); highest among the groups gnomAD compares: African/African-American, 0.2%; no homozygotes.

Submissions (3):

Women's Health and Genetics/Laboratory Corporation of America, LabCorp
Classification: Uncertain significance. Last evaluated: 2026-05-13. Review status: criteria provided, single submitter. Criteria: LabCorp Variant Classification Summary - May 2015. Collection method: clinical testing. Allele origin: germline.
Comment: Variant summary: NIN c.857T>C (p.Met286Thr) results in a non-conservative amino acid change in the encoded protein sequence. Algorithms developed to predict the effect of missense changes on protein structure and function are either unavailable or do not agree on the potential impact of this missense change. The variant allele was found at a frequency of 0.00013 in 251448 control chromosomes. This frequency is not significantly higher than estimated for disease-causing variants in NIN, allowing no conclusion about variant significance. To our knowledge, no occurrence of c.857T>C in individuals affected with NIN-related conditions and no experimental evidence demonstrating its impact on protein function have been reported. ClinVar contains an entry for this variant (Variation ID: 1374600). Based on the evidence outlined above, the variant was classified as uncertain significance.

Labcorp Genetics (formerly Invitae), Labcorp
Classification: Uncertain significance. Last evaluated: 2024-04-03. Review status: criteria provided, single submitter. Criteria: Invitae Variant Classification Sherloc (09022015). Collection method: clinical testing. Allele origin: germline.
Comment: This sequence change replaces methionine, which is neutral and non-polar, with threonine, which is neutral and polar, at codon 286 of the NIN protein (p.Met286Thr). This variant is present in population databases (rs147260112, gnomAD 0.2%), and has an allele count higher than expected for a pathogenic variant. This variant has not been reported in the literature in individuals affected with NIN-related conditions. ClinVar contains an entry for this variant (Variation ID: 1374600). An algorithm developed to predict the effect of missense changes on protein structure and function (PolyPhen-2) suggests that this variant is likely to be tolerated. In summary, the available evidence is currently insufficient to determine the role of this variant in disease. Therefore, it has been classified as a Variant of Uncertain Significance.

Breakthrough Genomics
Classification: Uncertain significance. Review status: criteria provided, single submitter. Criteria: ACMG Guidelines, 2015. Collection method: not provided. Allele origin: germline. Inheritance: Autosomal recessive inheritance. Affected: yes.